The following is an entry in ClinVar:

ClinVar aggregate classification (germline): Conflicting classifications of pathogenicity. Review status: criteria provided, conflicting classifications (1 of 4 stars). 12 submissions from 11 submitters: Uncertain significance (1); Benign (3); Likely benign (4). 4 of the submissions do not count toward it. Last evaluated 2026-01-26.

Conditions:
SLC17A5-related disorder. Also called: SLC17A5-related disorders; SLC17A5-related condition.
Salla disease (SD). Also called: Less Severe FSASD (Salla Disease); Sialuria, Finnish type; N-acetylneuraminic acid (NANA) storage disease (NSD); Infantile sialic acid storage disorder (ISSD). Identifiers: Orphanet 309334, Orphanet 834, MedGen C1096903, MONDO:0011449, OMIM 604369.
Sialic acid storage disease, severe infantile type (ISSD). Also called: N-ACETYLNEURAMINIC ACID STORAGE DISEASE; NANA STORAGE DISEASE; SIALURIA, INFANTILE FORM; Infantile Sialic Acid Storage Disease; Free sialic acid storage disease, infantile form; INFANTILE SIALIC ACID STORAGE DISORDER. Identifiers: Orphanet 309324, Orphanet 834, MedGen C1096902, MONDO:0010027, OMIM 269920.

Allele frequency attached by ClinVar (database versions not stated): gnomAD exomes 0.00046 and 0.00113; ExAC 0.00132; gnomAD 0.00215 and 0.00218; ESP Exome Variant Server 0.00223; TOPMed 0.00239; 1000 Genomes Project 0.00439; 1000 Genomes Project 30x 0.00453.
gnomAD v4.1: 1,115 of 1,613,950 alleles (0.069%); highest among the groups gnomAD compares: African/African-American, 0.62%; 3 homozygotes.

Submissions (12):

Labcorp Genetics (formerly Invitae), Labcorp
Classification: Likely benign for Salla disease. Last evaluated: 2026-01-26. Review status: criteria provided, single submitter. Criteria: Invitae Variant Classification Sherloc (09022015). Collection method: clinical testing. Allele origin: germline.

Blueprint Genetics
Classification: Likely benign. Last evaluated: 2024-11-25. Review status: criteria provided, single submitter. Criteria: ACMG Guidelines, 2015. Collection method: clinical testing. Allele origin: germline.

CeGaT Center for Human Genetics Tuebingen
Classification: Likely benign. Last evaluated: 2023-05-01. Review status: criteria provided, single submitter. Criteria: CeGaT Center For Human Genetics Tuebingen Variant Classification Criteria Version 2. Collection method: clinical testing. Allele origin: germline. Affected: yes. Observed: 2 variant alleles.
Comment: SLC17A5: BP4

Genome-Nilou Lab
Classification: Likely benign for Salla disease. Last evaluated: 2021-09-05. Review status: criteria provided, single submitter. Criteria: ACMG Guidelines, 2015. Collection method: clinical testing. Allele origin: germline. Affected: no.

Illumina Laboratory Services, Illumina
Classification: Benign for Salla disease. Last evaluated: 2017-04-27. Review status: criteria provided, single submitter. Criteria: ICSL Variant Classification Criteria 13 December 2019. Collection method: clinical testing. Allele origin: germline.
Comment: This variant was observed as part of a predisposition screen in an ostensibly healthy population. A literature search was performed for the gene, cDNA change, and amino acid change (where applicable). No publications were found based on this search. Allele frequency data from public databases was too high to be consistent with this variant causing disease. Therefore, this variant is classified as benign.

Illumina Laboratory Services, Illumina
Classification: Benign for Sialic acid storage disease, severe infantile type. Last evaluated: 2017-04-27. Review status: criteria provided, single submitter. Criteria: ICSL Variant Classification Criteria 13 December 2019. Collection method: clinical testing. Allele origin: germline.
Comment: the same text as in the submission from Illumina Laboratory Services, Illumina above.

Eurofins Ntd Llc (ga)
Classification: Benign. Last evaluated: 2015-08-28. Review status: criteria provided, single submitter. Criteria: EGL Classification Definitions 2015. Collection method: clinical testing. Allele origin: germline. Observed: 1 variant allele, 1 heterozygote.

Center for Pediatric Genomic Medicine, Children's Mercy Hospital and Clinics
Classification: Uncertain significance. Last evaluated: 2015-08-26. Review status: criteria provided, single submitter. Criteria: ACMG Guidelines, 2015. Collection method: clinical testing. Allele origin: germline.
ClinVar note: Converted during submission from Uncertain Significance to Uncertain significance.

Natera, Inc.
Classification: Benign for Salla disease. Last evaluated: 2020-01-11. Review status: no assertion criteria provided. Collection method: clinical testing. Allele origin: germline. Not counted in ClinVar's aggregate classification.

PreventionGenetics, part of Exact Sciences
Classification: Likely benign for SLC17A5-related condition. Last evaluated: 2019-06-26. Review status: no assertion criteria provided. Collection method: clinical testing. Allele origin: germline. Not counted in ClinVar's aggregate classification.
Comment: This variant is classified as likely benign based on ACMG/AMP sequence variant interpretation guidelines (Richards et al. 2015 PMID: 25741868, with internal and published modifications).

Clinical Genetics DNA and cytogenetics Diagnostics Lab, Erasmus MC, Erasmus Medical Center
Classification: Likely benign. Review status: no assertion criteria provided. Collection method: clinical testing. Allele origin: germline. Affected: yes. Study: VKGL Data-share Consensus. Not counted in ClinVar's aggregate classification.

Diagnostic Laboratory, Department of Genetics, University Medical Center Groningen
Classification: Likely benign. Review status: no assertion criteria provided. Collection method: clinical testing. Allele origin: germline. Affected: yes. Study: VKGL Data-share Consensus. Not counted in ClinVar's aggregate classification.

NM_012434.5(SLC17A5):c.1324G>A (p.Val442Ile)

Gene: SLC17A5 (solute carrier family 17 member 5; minus strand). Cytogenetic location: 6q13.
Variant type: single nucleotide variant.
Coding change: c.1324G>A on transcript NM_012434.5 (MANE Select); coding-DNA position 1324, G replaced by A.
Protein change: p.Val442Ile; replaces valine 442 with isoleucine.
Molecular consequence: missense variant.
Genome position (GRCh38, 1-based): chr6:73,600,377, C>T on the plus strand (G>A on the coding strand, the complement: SLC17A5 is on the minus strand). VCF-style: chr6-73600377-C-T. GRCh37 (hg19) VCF-style: chr6-74310100-C-T.
Other names: short protein forms V442I.
Identifiers: ClinVar variation 235209 (VCV000235209.54), dbSNP rs74360232, ClinGen allele CA3890290.
Genomic context (GRCh38, chr6:73,600,377, plus strand): 5'-ACCTTTCCAGTTTACAAGTAAATTATCTACTTACATCAGGGGTCAGACTTTTAGCAATGA[C>T]GGGCCCAACCATTCCTGGAATAGTGGCAAATGTATTTGTGATGCCCAGGAGGATACCAGC-3'
Protein context (NP_036566.1, residues 432-452): FATIPGMVGP[Val442Ile]IAKSLTPDNT